The following is an entry in ClinVar:

NC_000016.9:g.(?_53720345)_(53721877_?)del

Gene: RPGRIP1L (RPGRIP1 like; minus strand). Cytogenetic location: 16q12.2.
Variant type: Deletion.
Identifiers: ClinVar variation 2426121 (VCV002426121.5).

ClinVar aggregate classification (germline): Pathogenic (1 of 4 stars; one submission).

Conditions:
Joubert syndrome. Also called: CEREBELLOPARENCHYMAL DISORDER IV; JOUBERT-BOLTSHAUSER SYNDROME; Familial aplasia of the vermis. Identifiers: Orphanet 475, MedGen C5979921, MONDO:0018772.
Meckel-Gruber syndrome. Also called: DYSENCEPHALIA SPLANCHNOCYSTICA; GRUBER SYNDROME; Dysencephalia splachnocystica. Identifiers: Orphanet 564, MedGen C0265215, MONDO:0018921.

Submission:

Labcorp Genetics (formerly Invitae), Labcorp
Classification: Pathogenic for Joubert syndrome; Meckel-Gruber syndrome. Last evaluated: 2022-02-01. Review status: criteria provided, single submitter. Criteria: Invitae Variant Classification Sherloc (09022015). Collection method: clinical testing. Allele origin: germline.
Comment: This variant is a gross deletion of the genomic region encompassing exon(s) 5-6 of the RPGRIP1L gene. This deletion is out-of-frame, and is expected to create a premature termination codon and result in an absent or disrupted protein product. Loss-of-function variants in RPGRIP1L are known to be pathogenic (PMID: 17558409). This variant has not been reported in the literature in individuals affected with RPGRIP1L-related conditions. For these reasons, this variant has been classified as Pathogenic.

Literature cited by the submitters: PubMed 17558409.